The following is an entry in ClinVar:

ClinVar aggregate classification (germline): Pathogenic (1 of 4 stars; one submission).

Conditions:
Charcot-Marie-Tooth disease type 4. Also called: Charcot-Marie-Tooth, Type 4; Charcot-Marie-Tooth disease, type IV. Identifiers: Orphanet 64749, MedGen C4082197, MONDO:0018995.

Submission:

Labcorp Genetics (formerly Invitae), Labcorp
Classification: Pathogenic for Charcot-Marie-Tooth disease type 4. Last evaluated: 2024-08-28. Review status: criteria provided, single submitter. Criteria: Invitae Variant Classification Sherloc (09022015). Collection method: clinical testing. Allele origin: germline.
Comment: This sequence change creates a premature translational stop signal (p.Asp1053Metfs*4) in the PRX gene. While this is not anticipated to result in nonsense mediated decay, it is expected to disrupt the last 409 amino acid(s) of the PRX protein. This variant is present in population databases (no rsID available, gnomAD 0.007%). This variant has not been reported in the literature in individuals affected with PRX-related conditions. This variant disrupts a region of the PRX protein in which other variant(s) (p.Arg1070*) have been determined to be pathogenic (PMID: 15197604, 15469949, 16770524, 22847150, 26059842). This suggests that this is a clinically significant region of the protein, and that variants that disrupt it are likely to be disease-causing. For these reasons, this variant has been classified as Pathogenic.

Literature cited by the submitters: PubMed 15197604; PubMed 15469949; PubMed 16770524; PubMed 22847150; PubMed 26059842.

NM_181882.3(PRX):c.3157del (p.Asp1053fs)

Gene: PRX (periaxin; minus strand). Cytogenetic location: 19q13.2.
Variant type: Deletion.
Coding change: c.3157del on transcript NM_181882.3 (MANE Select); coding-DNA position 3157, one base deleted (G; older notation c.3157delG).
Protein change: p.Asp1053fs; shifts the reading frame from aspartic acid 1053.
Molecular consequence: frameshift variant. On other transcripts: 3 prime UTR variant (1).
Genome position (GRCh38, 1-based): chr19:40,395,195, C deleted on the plus strand (G on the coding strand, the reverse complement: PRX is on the minus strand); the first of 3 consecutive C bases (chr19:40,395,195-40,395,197); deleting any one gives the same sequence. VCF-style (leftmost placement, unchanged base first): chr19-40395194-TC-T. GRCh37 (hg19) VCF-style: chr19-40901101-TC-T.
Other names: c.3442del, p.Asp1148fs (NM_001411127.1); c.*3362del (NM_020956.2); short protein forms D1053fs, D1148fs.
Identifiers: ClinVar variation 3663633 (VCV003663633.2).